The following is an entry in ClinVar:

NM_001267550.2(TTN):c.31864G>A (p.Gly10622Arg)

Gene: TTN (titin; minus strand). Cytogenetic location: 2q31.2.
Variant type: single nucleotide variant.
Coding change: c.31864G>A on transcript NM_001267550.2 (MANE Select); coding-DNA position 31864, G replaced by A.
Protein change: p.Gly10622Arg; replaces glycine 10622 with arginine.
Molecular consequence: missense variant. On other transcripts: intron variant (3).
Genome position (GRCh38, 1-based): chr2:178,689,578, C>T on the plus strand (G>A on the coding strand, the complement: TTN is on the minus strand). VCF-style: chr2-178689578-C-T. GRCh37 (hg19) VCF-style: chr2-179554305-C-T.
Other names: p.G10305R:GGA>AGA; c.30913G>A, p.Gly10305Arg (NM_001256850.1); c.28132G>A, p.Gly9378Arg (NM_133378.4); c.13283-47261G>A (NM_003319.4); c.13859-47261G>A (NM_133437.4); c.13658-47261G>A (NM_133432.3); short protein forms G10622R, G10305R, G9378R.
Identifiers: ClinVar variation 46859 (VCV000046859.41), dbSNP rs2244492, ClinGen allele CA283101.

ClinVar aggregate classification (germline): Benign/Likely benign. Review status: criteria provided, multiple submitters, no conflicts (2 of 4 stars). 26 submissions from 19 submitters: Benign (20); Likely benign (2). 4 of the submissions do not count toward it. Last evaluated 2026-02-04.

Conditions:
Dilated cardiomyopathy 1G (CMD1G). Identifiers: Orphanet 154, MedGen C1858763, MONDO:0011400, OMIM 604145.
Autosomal recessive limb-girdle muscular dystrophy type 2J (LGMDR10). Also called: MUSCULAR DYSTROPHY, LIMB-GIRDLE, AUTOSOMAL RECESSIVE 10; Limb-girdle muscular dystrophy, type 2J. Identifiers: Orphanet 140922, MedGen C1837342, MONDO:0012127, OMIM 608807.
Cardiovascular phenotype. Identifiers: MedGen CN230736.
Early-onset myopathy with fatal cardiomyopathy (CMYO5). Also called: CONGENITAL MYOPATHY 5 WITH CARDIOMYOPATHY; Salih Myopathy. Identifiers: Orphanet 289377, MedGen C2673677, MONDO:0012714, OMIM 611705. Disease mechanism: loss of function.
Myopathy, myofibrillar, 9, with early respiratory failure (MFM9). Also called: Myopathy, distal, with early respiratory failure, autosomal dominant; Hereditary myopathy with early respiratory failure; MYOPATHY, PROXIMAL, WITH EARLY RESPIRATORY MUSCLE INVOLVEMENT; EDSTROM MYOPATHY. Identifiers: Orphanet 178464, Orphanet 34521, MedGen C1863599, MONDO:0011362, OMIM 603689.
Tibial muscular dystrophy (TMD). Also called: Udd Distal Myopathy – Tibial Muscular Dystrophy; Tibial muscular dystrophy, tardive; UDD MYOPATHY. Identifiers: Orphanet 609, MedGen C1838244, MONDO:0010870, OMIM 600334.

Allele frequency attached by ClinVar (database versions not stated): gnomAD 0.44007 and 0.44551; gnomAD exomes 0.37976 and 0.37682; 1000 Genomes Project 0.41334; TOPMed 0.42881; ExAC 0.39948; 1000 Genomes Project 30x 0.41989; ESP Exome Variant Server 0.43349.
gnomAD v4.1: 613,301 of 1,603,082 alleles (38%); highest among the groups gnomAD compares: African/African-American, 61%; 122,135 homozygotes.

Submissions (26):

Labcorp Genetics (formerly Invitae), Labcorp
Classification: Benign for Dilated cardiomyopathy 1G; Autosomal recessive limb-girdle muscular dystrophy type 2J. Last evaluated: 2026-02-04. Review status: criteria provided, single submitter. Criteria: Invitae Variant Classification Sherloc (09022015). Collection method: clinical testing. Allele origin: germline.

Molecular Diagnostic Laboratory for Inherited Cardiovascular Disease, Montreal Heart Institute
Classification: Benign. Last evaluated: 2025-04-09. Review status: criteria provided, single submitter. Criteria: ACMG Guidelines, 2015. Collection method: clinical testing. Allele origin: germline. Affected: no.

Blueprint Genetics
Classification: Benign. Last evaluated: 2024-11-26. Review status: criteria provided, single submitter. Criteria: ACMG Guidelines, 2015. Collection method: clinical testing. Allele origin: germline.

Genome-Nilou Lab
Classification: Benign for Autosomal recessive limb-girdle muscular dystrophy type 2J. Last evaluated: 2021-09-10. Review status: criteria provided, single submitter. Criteria: ACMG Guidelines, 2015. Collection method: clinical testing. Allele origin: germline. Affected: no.

Genome-Nilou Lab
Classification: Benign for Myopathy, myofibrillar, 9, with early respiratory failure. Last evaluated: 2021-09-10. Review status: criteria provided, single submitter. Criteria: ACMG Guidelines, 2015. Collection method: clinical testing. Allele origin: germline. Affected: no.

Genome-Nilou Lab
Classification: Benign for Early-onset myopathy with fatal cardiomyopathy. Last evaluated: 2021-09-10. Review status: criteria provided, single submitter. Criteria: ACMG Guidelines, 2015. Collection method: clinical testing. Allele origin: germline. Affected: no.

Genome-Nilou Lab
Classification: Benign for Tibial muscular dystrophy. Last evaluated: 2021-09-10. Review status: criteria provided, single submitter. Criteria: ACMG Guidelines, 2015. Collection method: clinical testing. Allele origin: germline. Affected: no.

Women's Health and Genetics/Laboratory Corporation of America, LabCorp
Classification: Likely benign. Last evaluated: 2020-08-08. Review status: criteria provided, single submitter. Criteria: LabCorp Variant Classification Summary - May 2015. Collection method: clinical testing. Allele origin: germline.

Athena Diagnostics
Classification: Benign. Last evaluated: 2018-11-28. Review status: criteria provided, single submitter. Criteria: Athena Diagnostics Criteria. Collection method: clinical testing. Allele origin: germline.

Illumina Laboratory Services, Illumina
Classification: Benign for Myopathy, myofibrillar, 9, with early respiratory failure. Last evaluated: 2018-01-12. Review status: criteria provided, single submitter. Criteria: ICSL Variant Classification Criteria 13 December 2019. Collection method: clinical testing. Allele origin: germline.
Comment: This variant was observed in the ICSL laboratory as part of a predisposition screen in an ostensibly healthy population. It had not been previously curated by ICSL or reported in the Human Gene Mutation Database (HGMD: prior to June 1st, 2018), and was therefore a candidate for classification through an automated scoring system. Utilizing variant allele frequency, disease prevalence and penetrance estimates, and inheritance mode, an automated score was calculated to assess if this variant is too frequent to cause the disease. Based on the score and internal cut-off values, a variant classified as benign is not then subjected to further curation. The score for this variant resulted in a classification of benign for this disease.

Illumina Laboratory Services, Illumina
Classification: Benign for Dilated cardiomyopathy 1G. Last evaluated: 2018-01-12. Review status: criteria provided, single submitter. Criteria: ICSL Variant Classification Criteria 13 December 2019. Collection method: clinical testing. Allele origin: germline.
Comment: the same text as in the submission from Illumina Laboratory Services, Illumina above.

Illumina Laboratory Services, Illumina
Classification: Benign for Autosomal recessive limb-girdle muscular dystrophy type 2J. Last evaluated: 2018-01-12. Review status: criteria provided, single submitter. Criteria: ICSL Variant Classification Criteria 13 December 2019. Collection method: clinical testing. Allele origin: germline.
Comment: the same text as in the submission from Illumina Laboratory Services, Illumina above.

Illumina Laboratory Services, Illumina
Classification: Benign for Tibial muscular dystrophy. Last evaluated: 2018-01-12. Review status: criteria provided, single submitter. Criteria: ICSL Variant Classification Criteria 13 December 2019. Collection method: clinical testing. Allele origin: germline.
Comment: the same text as in the submission from Illumina Laboratory Services, Illumina above.

Illumina Laboratory Services, Illumina
Classification: Benign for Early-onset myopathy with fatal cardiomyopathy. Last evaluated: 2018-01-12. Review status: criteria provided, single submitter. Criteria: ICSL Variant Classification Criteria 13 December 2019. Collection method: clinical testing. Allele origin: germline.
Comment: the same text as in the submission from Illumina Laboratory Services, Illumina above.

Mayo Clinic Laboratories, Mayo Clinic
Classification: Benign. Last evaluated: 2017-07-24. Review status: criteria provided, single submitter. Criteria: ACMG Guidelines, 2015. Collection method: clinical testing. Allele origin: germline. Observed: 1,508 variant alleles.

Genetic Services Laboratory, University of Chicago
Classification: Benign for AllHighlyPenetrant. Last evaluated: 2013-08-15. Review status: criteria provided, single submitter. Criteria: ACMG Guidelines, 2007. Collection method: clinical testing. Allele origin: germline.

Biesecker Lab/Clinical Genomics Section, National Institutes of Health
Classification: Benign. Last evaluated: 2013-06-24. Review status: criteria provided, single submitter. Criteria: Ng et al. (Circ Cardiovasc Genet. 2013). Collection method: research. Allele origin: unknown. Observed: 277 variant alleles. Study: ClinSeq.
Comment: The study set was not selected for affection status in relation to any cancer. Pathogenicity categories were based on literature curation. See Pubmed ID:23861362 for details.

Medical sequencing

Ambry Genetics
Classification: Benign for Cardiovascular phenotype. Last evaluated: 2013-01-09. Review status: criteria provided, single submitter. Criteria: Ambry Autosomal Dominant and X-Linked criteria (10/2015). Collection method: clinical testing. Allele origin: germline. Observed: 1 variant allele.

GeneDx
Classification: Benign. Last evaluated: 2012-10-26. Review status: criteria provided, single submitter. Criteria: GeneDx Variant Classification (06012015). Collection method: clinical testing. Allele origin: germline. Affected: yes.
Comment: This variant is considered likely benign or benign based on one or more of the following criteria: it is a conservative change, it occurs at a poorly conserved position in the protein, it is predicted to be benign by multiple in silico algorithms, and/or has population frequency not consistent with disease.

Laboratory for Molecular Medicine, Mass General Brigham Personalized Medicine
Classification: Benign. Last evaluated: 2011-09-16. Review status: criteria provided, single submitter. Criteria: LMM Criteria. Collection method: clinical testing. Allele origin: germline. Observed: 1,164 variant alleles.

Breakthrough Genomics
Classification: Likely benign. Review status: criteria provided, single submitter. Criteria: ACMG Guidelines, 2015. Collection method: not provided. Allele origin: germline. Inheritance: Autosomal recessive inheritance. Affected: yes.

PreventionGenetics, part of Exact Sciences
Classification: Benign. Review status: criteria provided, single submitter. Criteria: ACMG Guidelines, 2015. Collection method: clinical testing. Allele origin: germline.

Clinical Genetics DNA and cytogenetics Diagnostics Lab, Erasmus MC, Erasmus Medical Center
Classification: Benign. Review status: no assertion criteria provided. Collection method: clinical testing. Allele origin: germline. Affected: yes. Study: VKGL Data-share Consensus. Not counted in ClinVar's aggregate classification.

Clinical Genetics, Academic Medical Center
Classification: Benign. Review status: no assertion criteria provided. Collection method: clinical testing. Allele origin: germline. Affected: yes. Study: VKGL Data-share Consensus. Not counted in ClinVar's aggregate classification.

Diagnostic Laboratory, Department of Genetics, University Medical Center Groningen
Classification: Benign. Review status: no assertion criteria provided. Collection method: clinical testing. Allele origin: germline. Affected: yes. Study: VKGL Data-share Consensus. Not counted in ClinVar's aggregate classification.

Joint Genome Diagnostic Labs from Nijmegen and Maastricht, Radboudumc and MUMC+
Classification: Benign. Review status: no assertion criteria provided. Collection method: clinical testing. Allele origin: germline. Affected: yes. Study: VKGL Data-share Consensus. Not counted in ClinVar's aggregate classification.